The following is an entry in ClinVar:

NM_003803.4(MYOM1):c.592G>A (p.Ala198Thr)

Gene: MYOM1 (myomesin 1; minus strand). Cytogenetic location: 18p11.31.
Variant type: single nucleotide variant.
Coding change: c.592G>A on transcript NM_003803.4 (MANE Select); coding-DNA position 592, G replaced by A.
Protein change: p.Ala198Thr; replaces alanine 198 with threonine.
Molecular consequence: missense variant.
Genome position (GRCh38, 1-based): chr18:3,188,927, C>T on the plus strand (G>A on the coding strand, the complement: MYOM1 is on the minus strand). VCF-style: chr18-3188927-C-T. GRCh37 (hg19) VCF-style: chr18-3188925-C-T.
Other names: c.592G>A, p.Ala198Thr (NM_019856.2); short protein forms A198T.
Identifiers: ClinVar variation 1469987 (VCV001469987.10), dbSNP rs749346618, ClinGen allele CA8875206.

ClinVar aggregate classification (germline): Conflicting classifications of pathogenicity. Review status: criteria provided, conflicting classifications (1 of 4 stars). 2 submissions from 2 submitters: Uncertain significance (1); Likely benign (1). Last evaluated 2025-12-31.

Conditions:
Hypertrophic cardiomyopathy. Also called: HYPERTROPHIC MYOCARDIOPATHY. Identifiers: Orphanet 217569, MedGen C0007194, MeSH D002312, MONDO:0005045, HP:0001639.

Allele frequency attached by ClinVar (database versions not stated): ExAC 0.00001; gnomAD 0.00001; gnomAD exomes 0.00002.
gnomAD v4.1: 35 of 1,611,600 alleles (0.0022%); highest among the groups gnomAD compares: East Asian, 0.034%; no homozygotes.

Submissions (2):

Labcorp Genetics (formerly Invitae), Labcorp
Classification: Uncertain significance for Hypertrophic cardiomyopathy. Last evaluated: 2025-12-31. Review status: criteria provided, single submitter. Criteria: Invitae Variant Classification Sherloc (09022015). Collection method: clinical testing. Allele origin: germline.
Comment: This sequence change replaces alanine, which is neutral and non-polar, with threonine, which is neutral and polar, at codon 198 of the MYOM1 protein (p.Ala198Thr). This variant is present in population databases (rs749346618, gnomAD 0.005%). This variant has not been reported in the literature in individuals affected with MYOM1-related conditions. ClinVar contains an entry for this variant (Variation ID: 1469987). An algorithm developed to predict the effect of missense changes on protein structure and function outputs the following: PolyPhen-2: "Benign". The threonine amino acid residue is found in multiple mammalian species, which suggests that this missense change does not adversely affect protein function. In summary, the available evidence is currently insufficient to determine the role of this variant in disease. Therefore, it has been classified as a Variant of Uncertain Significance.

Ambry Genetics
Classification: Likely benign. Last evaluated: 2022-09-26. Review status: criteria provided, single submitter. Criteria: Ambry Variant Classification Scheme 2023. Collection method: clinical testing. Allele origin: germline.